The following is an entry in ClinVar:

ClinVar aggregate classification (germline): Pathogenic/Likely pathogenic. Review status: criteria provided, multiple submitters, no conflicts (2 of 4 stars). 8 submissions from 8 submitters: Pathogenic (6); Likely pathogenic (1). 1 of the submissions does not count toward it. Last evaluated 2024-06-07.

Conditions:
Mucopolysaccharidosis, MPS-II (MPS2). Also called: Mucopolysaccharidosis with skin involvement; Mucopolysaccharidosis Type II; IDS deficiency; Sulfoiduronate sulfatase deficiency; SIDS deficiency; Mucopolysaccharidosis type 2. Identifiers: Orphanet 580, Orphanet 79388, MedGen C0026705, MONDO:0010674, OMIM 309900.

Submissions (8):

Laboratory of Diagnosis and Therapy of Lysosomal Disorders, University of Padova
Classification: Pathogenic for Mucopolysaccharidosis, MPS-II. Last evaluated: 2024-06-07. Review status: criteria provided, single submitter. Criteria: ACMG Guidelines, 2015. Collection method: literature only. Allele origin: germline. Affected: yes. Observed: 42 variant alleles.
Comment: Prevalence of the variant significantly increased in affected individuals compared with controls (PS4_Strong), Located in a mutational hot spot and/or critical functional domain (PM1_Moderate), Absent from controls (or at low frequency) in gnomAD database (PM2_Moderate), Missense variant in a gene with a low rate of benign missense variation (PP2_Supporting), Multiple lines of computational evidence support a deleterious effect (PP3_Supporting), Patient’s phenotype or family history highly specific for the disease (PP4_Moderate)

Classification method: ACMG Guidelines [PMID:25741868] with modifications

Women's Health and Genetics/Laboratory Corporation of America, LabCorp
Classification: Pathogenic for Mucopolysaccharidosis, MPS-II. Last evaluated: 2022-08-24. Review status: criteria provided, single submitter. Criteria: LabCorp Variant Classification Summary - May 2015. Collection method: clinical testing. Allele origin: germline.
Comment: Variant summary: IDS c.263G>A (p.Arg88His) results in a non-conservative amino acid change located in the Sulfatase, N-terminal domain (IPR000917) of the encoded protein sequence. Five of five in-silico tools predict a damaging effect of the variant on protein function. The variant was absent in 114316 control chromosomes (gnomAD). c.263G>A has been reported in the literature in multiple hemizygous individuals affected with Mucopolysaccharidosis Type II (Hunter Syndrome, e.g. Agrawal_2022, Lampe_2014, Rathmann_1996). These data indicate that the variant is very likely to be associated with disease. In vitro assays using transiently transfected COS7 cells showed that cells transfected with the variant had 13.7% residual enzyme activity compared to cells transfected with wildtype (Villani_2000). Two ClinVar submitters have assessed the variant since 2014: both classified the variant as pathogenic. Based on the evidence outlined above, the variant was classified as pathogenic.

Foundation for Research in Genetics and Endocrinology, FRIGE's Institute of Human Genetics
Classification: Pathogenic for Mucopolysaccharidosis, MPS-II. Last evaluated: 2022-08-13. Review status: criteria provided, single submitter. Criteria: ACMG Guidelines, 2015. Collection method: clinical testing. Allele origin: germline. Inheritance: X-linked recessive inheritance. Affected: yes. Observed: 1 variant allele, 1 hemizygote.
Comment: A Hemizygous missense variation in exon 3 of the IDS gene that results in the aminoacid substitution of Histidine for Arginine at codon 88 was detected.The observed variant c.263G>A (p.Arg88His) has not been reported in the 1000 genomes and gnomAD databases The in silico prediction of the variant are possibly damaging by FATHMM-MKL, DANN, MutPred, LRT and MutationTaster2. The reference codon is conserved across species.In summary, the variant meets our criteria to be classified as pathogenic.In summary, the variant meets our criteria to be classified as a variant of uncertain significance.

Labcorp Genetics (formerly Invitae), Labcorp
Classification: Pathogenic for Mucopolysaccharidosis, MPS-II. Last evaluated: 2022-03-03. Review status: criteria provided, single submitter. Criteria: Invitae Variant Classification Sherloc (09022015). Collection method: clinical testing. Allele origin: germline.
Comment: For these reasons, this variant has been classified as Pathogenic. This sequence change replaces arginine, which is basic and polar, with histidine, which is basic and polar, at codon 88 of the IDS protein (p.Arg88His). This variant is not present in population databases (gnomAD no frequency). This missense change has been observed in individuals with mucopolysaccharidosis II (PMID: 8940265, 10215411, 24125893, 24515576, 27146977). ClinVar contains an entry for this variant (Variation ID: 950955). Advanced modeling of protein sequence and biophysical properties (such as structural, functional, and spatial information, amino acid conservation, physicochemical variation, residue mobility, and thermodynamic stability) performed at Invitae indicates that this missense variant is expected to disrupt IDS protein function. Experimental studies have shown that this missense change affects IDS function (PMID: 10838181). Algorithms developed to predict the effect of sequence changes on RNA splicing suggest that this variant may create or strengthen a splice site. This variant disrupts the p.Arg88 amino acid residue in IDS. Other variant(s) that disrupt this residue have been determined to be pathogenic (PMID: 7814022, 8940265, 9950361, 15614569, 17063374, 22990955, 24125893, 26762690). This suggests that this residue is clinically significant, and that variants that disrupt this residue are likely to be disease-causing.

Genome-Nilou Lab
Classification: Pathogenic for Mucopolysaccharidosis, MPS-II. Last evaluated: 2021-09-05. Review status: criteria provided, single submitter. Criteria: ACMG Guidelines, 2015. Collection method: clinical testing. Allele origin: germline. Affected: no.

Department of Medical Genetics, Sanjay Gandhi Post Graduate Institute of Medical Sciences
Classification: Pathogenic for Mucopolysaccharidosis, MPS-II. Review status: criteria provided, single submitter. Criteria: ACMG Guidelines, 2015. Collection method: clinical testing. Allele origin: germline, maternal. Inheritance: X-linked recessive inheritance. Affected: yes. Observed: 3 variant alleles, 3 hemizygotes. Clinical features observed: Motor delay (HP:0001270), Coarse facial features (HP:0000280), Macrocephaly (HP:0000256), Sleep apnea (HP:0010535), Umbilical hernia (HP:0001537), Dysostosis multiplex (HP:0000943), Flexion contracture (HP:0001371), Hearing impairment (HP:0000365), Short stature (HP:0004322), Developmental regression (HP:0002376).

Kasturba Medical College, Manipal, Kasturba Medical College, Manipal, Manipal Academy of Higher Education, Manipal, India
Classification: Likely pathogenic for Mucopolysaccharidosis, MPS-II. Review status: criteria provided, single submitter. Criteria: ACMG Guidelines, 2015. Collection method: research. Allele origin: inherited. Affected: yes.

Division of Medical Genetics, Department of Pediatrics, All India Institute of Medical Sciences, New Delhi
Classification: Affects for Mucopolysaccharidosis, MPS-II. Last evaluated: 2014-04-06. Review status: no assertion criteria provided. Collection method: research. Allele origin: germline. Inheritance: X-linked recessive inheritance. Affected: yes. Observed: 4 variant alleles, 4 hemizygotes. Clinical features observed: Coarse facial features (HP:0000280), Arthropathy (HP:0003040), Macrocephaly (HP:0000256), Hernia (HP:0100790), Hepatosplenomegaly (HP:0001433), Developmental regression (HP:0002376), Delayed gross motor development (HP:0002194), Abnormal echocardiogram (HP:0003116). Not counted in ClinVar's aggregate classification.
Comment: The change c.263G>A (p.R88H) was found to be a missense variant, where the basic polar amino acid Arginine at 88 position was substituted by aromatic basic polar amino acid Histidine. It was detected in the hemizygous condition in three families having patients with MPS-II, of which two have attenuated phenotypes from Madhya Pradesh and Uttar Pradesh while one with severe phenotype from Uttrakhand.

Literature cited by the submitters: PubMed 35144014 (cited by Laboratory of Diagnosis and Therapy of Lysosomal Disorders, University of Padova and Women's Health and Genetics/Laboratory Corporation of America, LabCorp); PubMed 10215411 (cited by Laboratory of Diagnosis and Therapy of Lysosomal Disorders, University of Padova and Labcorp Genetics (formerly Invitae), Labcorp); PubMed 24125893 (cited by Laboratory of Diagnosis and Therapy of Lysosomal Disorders, University of Padova and Labcorp Genetics (formerly Invitae), Labcorp); PubMed 28077157 (cited by Laboratory of Diagnosis and Therapy of Lysosomal Disorders, University of Padova); PubMed 24780617 (cited by Laboratory of Diagnosis and Therapy of Lysosomal Disorders, University of Padova); PubMed 27883178 (cited by Laboratory of Diagnosis and Therapy of Lysosomal Disorders, University of Padova); PubMed 34813777 (cited by Laboratory of Diagnosis and Therapy of Lysosomal Disorders, University of Padova); PubMed 11462244 (cited by Laboratory of Diagnosis and Therapy of Lysosomal Disorders, University of Padova); PubMed 9660053 (cited by Laboratory of Diagnosis and Therapy of Lysosomal Disorders, University of Padova); PubMed 25681085 (cited by Laboratory of Diagnosis and Therapy of Lysosomal Disorders, University of Padova); PubMed 9452044 (cited by Laboratory of Diagnosis and Therapy of Lysosomal Disorders, University of Padova); PubMed 33960103 (cited by Laboratory of Diagnosis and Therapy of Lysosomal Disorders, University of Padova); PubMed 9921913 (cited by Laboratory of Diagnosis and Therapy of Lysosomal Disorders, University of Padova); PubMed 24515576 (cited by 3 submitters); PubMed 8940265 (cited by 3 submitters); PubMed 33676511 (cited by Laboratory of Diagnosis and Therapy of Lysosomal Disorders, University of Padova); PubMed 32775211 (cited by Laboratory of Diagnosis and Therapy of Lysosomal Disorders, University of Padova); PubMed 21291454 (cited by Laboratory of Diagnosis and Therapy of Lysosomal Disorders, University of Padova); PubMed 27146977 (cited by 3 submitters); PubMed 21829674 (cited by Laboratory of Diagnosis and Therapy of Lysosomal Disorders, University of Padova and Department of Medical Genetics, Sanjay Gandhi Post Graduate Institute of Medical Sciences); PubMed 36945845 (cited by Laboratory of Diagnosis and Therapy of Lysosomal Disorders, University of Padova); PubMed 10838181 (cited by Women's Health and Genetics/Laboratory Corporation of America, LabCorp and Labcorp Genetics (formerly Invitae), Labcorp); PubMed 7814022 (cited by Labcorp Genetics (formerly Invitae), Labcorp); PubMed 9950361 (cited by Labcorp Genetics (formerly Invitae), Labcorp); PubMed 15614569 (cited by Labcorp Genetics (formerly Invitae), Labcorp); PubMed 17063374 (cited by Labcorp Genetics (formerly Invitae), Labcorp); PubMed 22990955 (cited by Labcorp Genetics (formerly Invitae), Labcorp); PubMed 26762690 (cited by Labcorp Genetics (formerly Invitae), Labcorp).

NM_000202.8(IDS):c.263G>A (p.Arg88His)

Gene: IDS (iduronate 2-sulfatase; minus strand). Cytogenetic location: Xq28.
Variant type: single nucleotide variant.
Coding change: c.263G>A on transcript NM_000202.8 (MANE Select); coding-DNA position 263, G replaced by A.
Protein change: p.Arg88His; replaces arginine 88 with histidine.
Molecular consequence: missense variant. On other transcripts: non-coding transcript variant (1), intron variant (1).
Genome position (GRCh38, 1-based): chrX:149,503,467, C>T on the plus strand (G>A on the coding strand, the complement: IDS is on the minus strand). VCF-style: chrX-149503467-C-T. GRCh37 (hg19) VCF-style: chrX-148584997-C-T.
Other names: p.Arg88His; c.263G>A (NM_000202.7, NM_000202.5); c.263G>A, p.Arg88His (NM_006123.5); c.15-22G>A (NM_001166550.4); short protein forms R88H.
Identifiers: ClinVar variation 950955 (VCV000950955.19), dbSNP rs2089497431, ClinGen allele CA414526862.
Genomic context (GRCh38, chrX:149,503,467, plus strand): 5'-TAGGAGTTGAAGTCGTACAGGCGGGTGGTGTCAGGTCTCCTGCCAGTGAGGAAAGAAACG[C>T]GGCTCGGGGCGCACACTGCTTGCTGTTAGGGAGCAGAAGCAGAGGTAAGCATCGCCACAG-3'
Protein context (NP_000193.1, residues 78-98): FAQQAVCAPS[Arg88His]VSFLTGRRPD